The following is an entry in ClinVar:

ClinVar aggregate classification (germline): Benign/Likely benign. Review status: criteria provided, multiple submitters, no conflicts (2 of 4 stars). 17 submissions from 17 submitters: Benign (10); Likely benign (2). 5 of the submissions do not count toward it. Last evaluated 2026-02-03.

Conditions:
Arrhythmogenic cardiomyopathy with wooly hair and keratoderma. Also called: PALMOPLANTAR KERATODERMA WITH LEFT VENTRICULAR CARDIOMYOPATHY AND WOOLLY HAIR; Arrhythmogenic cardiomyopathy with woolly hair and keratoderma; Dilated cardiomyopathy with woolly hair and keratoderma; Carvajal syndrome. Identifiers: Orphanet 65282, MedGen C1854063, MONDO:0011581, OMIM 605676.
Arrhythmogenic right ventricular dysplasia 8 (ARVD8). Also called: Arrhythmogenic Right Ventricular Dysplasia/Cardiomyopathy 8; ARRHYTHMOGENIC RIGHT VENTRICULAR DYSPLASIA, FAMILIAL, 8; ARRHYTHMOGENIC RIGHT VENTRICULAR CARDIOMYOPATHY 8. Identifiers: MedGen C1843896, MONDO:0011831, OMIM 607450.
Cardiomyopathy (CMYO). Also called: Cardiomyopathies. Identifiers: Orphanet 167848, MedGen C0878544, MONDO:0004994, HP:0001638. Inheritance: Various modes of inheritance.

Allele frequency attached by ClinVar (database versions not stated): gnomAD exomes 0.00062 and 0.00170; ExAC 0.00212; gnomAD 0.00648 and 0.00703; TOPMed 0.00681; 1000 Genomes Project 0.00699; ESP Exome Variant Server 0.00769; 1000 Genomes Project 30x 0.00781.
gnomAD v4.1: 1,914 of 1,614,156 alleles (0.12%); highest among the groups gnomAD compares: African/African-American, 2.3%; 14 homozygotes.

Submissions (17):

Labcorp Genetics (formerly Invitae), Labcorp
Classification: Benign for Arrhythmogenic cardiomyopathy with wooly hair and keratoderma; Arrhythmogenic right ventricular dysplasia 8. Last evaluated: 2026-02-03. Review status: criteria provided, single submitter. Criteria: Invitae Variant Classification Sherloc (09022015). Collection method: clinical testing. Allele origin: germline.

Molecular Diagnostic Laboratory for Inherited Cardiovascular Disease, Montreal Heart Institute
Classification: Benign. Last evaluated: 2025-02-17. Review status: criteria provided, single submitter. Criteria: ACMG Guidelines, 2015. Collection method: clinical testing. Allele origin: germline. Affected: no.

Blueprint Genetics
Classification: Likely benign. Last evaluated: 2024-11-01. Review status: criteria provided, single submitter. Criteria: ACMG Guidelines, 2015. Collection method: clinical testing. Allele origin: germline.

All of Us Research Program, National Institutes of Health
Classification: Benign for Arrhythmogenic cardiomyopathy with wooly hair and keratoderma. Last evaluated: 2024-02-05. Review status: criteria provided, single submitter. Criteria: ACMG Guidelines, 2015. Collection method: clinical testing. Allele origin: germline. Inheritance: Autosomal dominant inheritance. Observed: 370 variant alleles, 366 heterozygotes, 4 homozygotes.
Comment: This study involves interpretation of variants in research participants for the purpose of population health screening. Participant phenotype was not available at the time of variant classification. Additional details can be found in publication PMID: 35346344, PMCID: PMC8962531

ARUP Laboratories, Molecular Genetics and Genomics, ARUP Laboratories
Classification: Benign. Last evaluated: 2024-01-11. Review status: criteria provided, single submitter. Criteria: ARUP Molecular Germline Variant Investigation Process 2024. Collection method: clinical testing. Allele origin: germline.

Color Diagnostics, LLC DBA Color Health
Classification: Benign for Cardiomyopathy. Last evaluated: 2018-03-16. Review status: criteria provided, single submitter. Criteria: ACMG Guidelines, 2015. Collection method: clinical testing. Allele origin: germline.

Mayo Clinic Laboratories, Mayo Clinic
Classification: Benign. Last evaluated: 2017-11-14. Review status: criteria provided, single submitter. Criteria: ACMG Guidelines, 2015. Collection method: clinical testing. Allele origin: germline. Observed: 8 variant alleles.

CHEO Genetics Diagnostic Laboratory, Children's Hospital of Eastern Ontario
Classification: Benign for Cardiomyopathy. Last evaluated: 2017-03-07. Review status: criteria provided, single submitter. Criteria: ACMG Guidelines, 2015. Collection method: clinical testing. Allele origin: germline. Study: Canadian Open Genetics Repository.

Women's Health and Genetics/Laboratory Corporation of America, LabCorp
Classification: Benign. Last evaluated: 2016-09-19. Review status: criteria provided, single submitter. Criteria: LabCorp Variant Classification Summary - May 2015. Collection method: clinical testing. Allele origin: germline.
Comment: Variant summary: The DSP c.2673T>C (p.Tyr891Tyr) variant involves the alteration of a non-conserved nucleotide, resulting in a synonymous change. 5/5 splice prediction tools predict no significant impact on normal splicing. This variant was found in 257/121370 control chromosomes, predominantly observed in the African subpopulation at a frequency of 0.0239654 (249/10390). This frequency is about 959 times the estimated maximal expected allele frequency of a pathogenic DSP variant (0.000025), suggesting this is likely a benign polymorphism found primarily in the populations of African origin. In addition, multiple clinical diagnostic laboratories have classified this variant as benign. The variant of interest has not, to our knowledge, been reported in affected individuals via publications. Taken together, this variant is classified as Benign.

GeneDx
Classification: Benign. Last evaluated: 2014-01-23. Review status: criteria provided, single submitter. Criteria: GeneDx Variant Classification (06012015). Collection method: clinical testing. Allele origin: germline. Affected: yes.
Comment: This variant is considered likely benign or benign based on one or more of the following criteria: it is a conservative change, it occurs at a poorly conserved position in the protein, it is predicted to be benign by multiple in silico algorithms, and/or has population frequency not consistent with disease.

Laboratory for Molecular Medicine, Mass General Brigham Personalized Medicine
Classification: Benign. Last evaluated: 2012-03-19. Review status: criteria provided, single submitter. Criteria: LMM Criteria. Collection method: clinical testing. Allele origin: germline. Observed: 8 variant alleles.
Comment: p.Tyr891Tyr in Exon 19 of DSP: This variant is not expected to have clinical sig nificance because it does not alter an amino acid residue, is not located within the splice consensus sequence and has been identified in 2.3% (87/3738) of Afri can American chromosomes from a broad population by the NHLBI Exome Sequencing P roject (dbSNP rs146407262).

Breakthrough Genomics
Classification: Likely benign. Review status: criteria provided, single submitter. Criteria: ACMG Guidelines, 2015. Collection method: not provided. Allele origin: germline. Inheritance: Autosomal recessive inheritance. Affected: yes.

Cohesion Phenomics
Classification: Benign for Cardiomyopathy. Last evaluated: 2022-09-23. Review status: no assertion criteria provided. Criteria: ACMG Guidelines, 2015. Collection method: clinical testing. Allele origin: germline. Affected: yes. Not counted in ClinVar's aggregate classification.

Clinical Genetics DNA and cytogenetics Diagnostics Lab, Erasmus MC, Erasmus Medical Center
Classification: Benign. Review status: no assertion criteria provided. Collection method: clinical testing. Allele origin: germline. Affected: yes. Study: VKGL Data-share Consensus. Not counted in ClinVar's aggregate classification.

Clinical Genetics, Academic Medical Center
Classification: Benign. Review status: no assertion criteria provided. Collection method: clinical testing. Allele origin: germline. Affected: yes. Study: VKGL Data-share Consensus. Not counted in ClinVar's aggregate classification.

Genome Diagnostics Laboratory, University Medical Center Utrecht
Classification: Benign. Review status: no assertion criteria provided. Collection method: clinical testing. Allele origin: germline. Affected: yes. Study: VKGL Data-share Consensus. Not counted in ClinVar's aggregate classification.

Joint Genome Diagnostic Labs from Nijmegen and Maastricht, Radboudumc and MUMC+
Classification: Benign. Review status: no assertion criteria provided. Collection method: clinical testing. Allele origin: germline. Affected: yes. Study: VKGL Data-share Consensus. Not counted in ClinVar's aggregate classification.

NM_004415.4(DSP):c.2673T>C (p.Tyr891=)

Gene: DSP (desmoplakin; plus strand). Cytogenetic location: 6p24.3.
Variant type: single nucleotide variant.
Coding change: c.2673T>C on transcript NM_004415.4 (MANE Select); coding-DNA position 2673, T replaced by C.
Protein change: p.Tyr891=; no amino-acid change (tyrosine 891 retained).
Molecular consequence: synonymous variant.
Genome position (GRCh38, 1-based): chr6:7,576,336, T>C. VCF-style: chr6-7576336-T-C. GRCh37 (hg19) VCF-style: chr6-7576569-T-C.
Other names: p.Y891Y:TAT>TAC; p.Tyr891=; c.2673T>C, p.Tyr891= (NM_001008844.3, NM_001319034.2); c.2673T>C (NM_004415.3).
Identifiers: ClinVar variation 44878 (VCV000044878.41), dbSNP rs146407262, ClinGen allele CA005484.